The following is an entry in ClinVar:

NM_020812.4(DOCK6):c.4339-3C>A

Genes: DOCK6 (dedicator of cytokinesis 6; minus strand), DOCK6-AS1 (DOCK6 antisense RNA 1; plus strand). Cytogenetic location: 19p13.2.
Variant type: single nucleotide variant.
Coding change: c.4339-3C>A on transcript NM_020812.4 (MANE Select); 3 bases into the intron before coding-DNA position 4339, C replaced by A.
Molecular consequence: intron variant.
Genome position (GRCh38, 1-based): chr19:11,213,331, G>T on the plus strand (C>A on the coding strand, the complement: DOCK6 is on the minus strand). VCF-style: chr19-11213331-G-T. GRCh37 (hg19) VCF-style: chr19-11324007-G-T.
Other names: c.4444-3C>A (NM_001367830.1).
Identifiers: ClinVar variation 3697795 (VCV003697795.2).

ClinVar aggregate classification (germline): Uncertain significance (1 of 4 stars; one submission).

gnomAD v4.1: 6 of 1,609,822 alleles (0.00037%); highest among the groups gnomAD compares: Admixed American, 0.005%; no homozygotes.

Submission:

Labcorp Genetics (formerly Invitae), Labcorp
Classification: Uncertain significance. Last evaluated: 2025-10-15. Review status: criteria provided, single submitter. Criteria: Invitae Variant Classification Sherloc (09022015). Collection method: clinical testing. Allele origin: germline.
Comment: This sequence change falls in intron 34 of the DOCK6 gene. It does not directly change the encoded amino acid sequence of the DOCK6 protein. It affects a nucleotide within the consensus splice site. This variant is present in population databases (rs760179366, gnomAD 0.006%). This variant has not been reported in the literature in individuals affected with DOCK6-related conditions. ClinVar contains an entry for this variant (Variation ID: 3697795). Variants that disrupt the consensus splice site are a relatively common cause of aberrant splicing (PMID: 17576681, 9536098). Algorithms developed to predict the effect of sequence changes on RNA splicing suggest that this variant may disrupt the consensus splice site. In summary, the available evidence is currently insufficient to determine the role of this variant in disease. Therefore, it has been classified as a Variant of Uncertain Significance.

Literature cited by the submitters: PubMed 17576681; PubMed 9536098.